The following is an entry in ClinVar:

NM_153676.4(USH1C):c.1039C>T (p.Gln347Ter)

Gene: USH1C (USH1 protein network component harmonin; minus strand). Cytogenetic location: 11p15.1.
Variant type: single nucleotide variant.
Coding change: c.1039C>T on transcript NM_153676.4 (MANE Select); coding-DNA position 1039, C replaced by T.
Protein change: p.Gln347Ter; replaces glutamine 347 with a stop codon.
Molecular consequence: nonsense. On other transcripts: non-coding transcript variant (1).
Genome position (GRCh38, 1-based): chr11:17,521,392, G>A on the plus strand (C>T on the coding strand, the complement: USH1C is on the minus strand). VCF-style: chr11-17521392-G-A. GRCh37 (hg19) VCF-style: chr11-17542939-G-A.
Other names: c.1039C>T (NM_005709.3); c.982C>T, p.Gln328Ter (NM_001297764.2); c.1039C>T, p.Gln347Ter (NM_005709.4); short protein forms Q347*, Q328*.
Identifiers: ClinVar variation 500413 (VCV000500413.20), dbSNP rs762551629, ClinGen allele CA5904739.

ClinVar aggregate classification (germline): Pathogenic/Likely pathogenic. Review status: criteria provided, multiple submitters, no conflicts (2 of 4 stars). 8 submissions from 7 submitters: Pathogenic (3); Likely pathogenic (2). 3 of the submissions do not count toward it. Last evaluated 2026-01-29.

Conditions:
USH1C-related disorder. Also called: USH1C-related condition.
Usher syndrome type 1C. Also called: USHER SYNDROME, TYPE I, ACADIAN VARIETY. Identifiers: Orphanet 231169, Orphanet 886, MedGen C1848604, MONDO:0010171, OMIM 276904.
Autosomal recessive nonsyndromic hearing loss 18A. Also called: Deafness, autosomal recessive 18A; DEAFNESS, AUTOSOMAL RECESSIVE 18. Identifiers: Orphanet 90636, MedGen C1865870, MONDO:0011192, OMIM 602092.

Allele frequency attached by ClinVar (database versions not stated): gnomAD 0.00001; TOPMed 0.00002.
gnomAD v4.1: 49 of 1,613,978 alleles (0.003%); highest among the groups gnomAD compares: Non-Finnish European, 0.0041%; no homozygotes.

Submissions (8):

Natera, Inc.
Classification: Pathogenic for Usher syndrome type 1C. Last evaluated: 2026-01-29. Review status: criteria provided, single submitter. Criteria: Natera Variant Classification Schema (03/2026). Collection method: clinical testing. Allele origin: germline.
Comment: The c.1039C>T variant in USH1C is a nonsense variant predicted to introduce a stop codon at amino acid 347. This variant is expected to result in nonsense mediated decay, truncation, or a dysfunctional protein product. This variant is rare in the general population with a frequency below the threshold expected for the associated phenotype(s). This variant has been observed in one or more individuals affected with the associated recessive disease, as either homozygous or compound heterozygous with a second variant (PMID: 36011334). Given the available evidence, this variant is classified as Pathogenic.

Labcorp Genetics (formerly Invitae), Labcorp
Classification: Pathogenic. Last evaluated: 2024-08-12. Review status: criteria provided, single submitter. Criteria: Invitae Variant Classification Sherloc (09022015). Collection method: clinical testing. Allele origin: germline.
Comment: This sequence change creates a premature translational stop signal (p.Gln347*) in the USH1C gene. It is expected to result in an absent or disrupted protein product. Loss-of-function variants in USH1C are known to be pathogenic (PMID: 10973247, 17407589, 20301442, 21203349). This variant is present in population databases (rs762551629, gnomAD 0.004%). This variant has not been reported in the literature in individuals affected with USH1C-related conditions. ClinVar contains an entry for this variant (Variation ID: 500413). For these reasons, this variant has been classified as Pathogenic.

Baylor Genetics
Classification: Likely pathogenic for Autosomal recessive nonsyndromic hearing loss 18A. Last evaluated: 2024-01-30. Review status: criteria provided, single submitter. Criteria: ACMG Guidelines, 2015. Collection method: clinical testing. Allele origin: unknown.

Victorian Clinical Genetics Services, Murdoch Childrens Research Institute
Classification: Pathogenic for Usher syndrome type 1C. Last evaluated: 2021-05-06. Review status: criteria provided, single submitter. Criteria: ACMG Guidelines, 2015. Collection method: clinical testing. Allele origin: germline. Inheritance: Autosomal recessive inheritance.
Comment: Based on the classification scheme VCGS_Germline_v1.3.4, this variant is classified as Pathogenic. Following criteria are met: 0102 - Loss of function is a known mechanism of disease in this gene and is associated with autosomal recessive deafness 18A (MIM#602092) and Usher syndrome, type 1C (MIM#276904). Dominant negative is a suggested mechanism for rare autosomal dominant non-syndromic hearing loss (NSHL) (PMID: 31858762). (I) 0106 - This gene is associated with autosomal recessive disease. A single, large family with a heterozygous missense variant has been reported with autosomal dominant NSHL (PMID: 31858762). (I) 0201 - Variant is predicted to cause nonsense-mediated decay (NMD) and loss of protein (premature termination codon is located at least 54 nucleotides upstream of the final exon-exon junction). (SP) 0251 - This variant is heterozygous. (I) 0304 - Variant is present in gnomAD (v2) <0.01 for a recessive condition (4 heterozygotes, 0 homozygotes). (SP) 0701 - Other NMD-predicted variants comparable to the one identified in this case have very strong previous evidence for pathogenicity. Many NMD-predicted variants have been reported as pathogenic, and are generally observed in patients with Usher syndrome (OMIM, PMID: 27957503). (SP) 0803 - This variant has limited previous evidence of pathogenicity in unrelated individuals. This variant has been reported several times as likely pathogenic (ClinVar), but also as a VUS due to insufficient information (deafnessvariationdatabase). (SP) 0905 - No published segregation evidence has been identified for this variant. (I) 1007 - No published functional evidence has been identified for this variant. (I) 1208 - Inheritance information for this variant is not currently available in this individual. (I) Legend: (SP) - Supporting pathogenic, (I) - Information, (SB) - Supporting benign

Eurofins Ntd Llc (ga)
Classification: Likely pathogenic. Last evaluated: 2017-02-08. Review status: criteria provided, single submitter. Criteria: EGL Classification Definitions 2015. Collection method: clinical testing. Allele origin: germline. Observed: 1 variant allele, 1 heterozygote.

PreventionGenetics, part of Exact Sciences
Classification: Likely pathogenic for USH1C-related condition. Last evaluated: 2024-06-28. Review status: no assertion criteria provided. Collection method: clinical testing. Allele origin: germline. Not counted in ClinVar's aggregate classification.
Comment: The USH1C c.1039C>T variant is predicted to result in premature protein termination (p.Gln347*). This variant has been reported with a second USH1C variant in an individual with Usher syndrome (Supplementary Table 3, Feenstra et al. 2022. PubMed ID: 36011334). This variant is reported in 0.0040% of alleles in individuals of African descent in gnomAD. Nonsense variants in USH1C are expected to be pathogenic. This variant is interpreted as likely pathogenic.

Counsyl
Classification: Likely pathogenic for Usher syndrome type 1C. Last evaluated: 2017-01-17. Review status: no assertion criteria provided. Collection method: clinical testing. Allele origin: unknown. Not counted in ClinVar's aggregate classification.

Counsyl
Classification: Likely pathogenic for Autosomal recessive nonsyndromic hearing loss 18A. Last evaluated: 2017-01-17. Review status: no assertion criteria provided. Collection method: clinical testing. Allele origin: unknown. Not counted in ClinVar's aggregate classification.

Literature cited by the submitters: PubMed 36011334 (cited by Natera, Inc.); PubMed 10973247 (cited by Labcorp Genetics (formerly Invitae), Labcorp); PubMed 17407589 (cited by Labcorp Genetics (formerly Invitae), Labcorp); PubMed 20301442 (cited by Labcorp Genetics (formerly Invitae), Labcorp); PubMed 21203349 (cited by Labcorp Genetics (formerly Invitae), Labcorp); PubMed 27957503 (cited by Victorian Clinical Genetics Services, Murdoch Childrens Research Institute); PubMed 31858762 (cited by Victorian Clinical Genetics Services, Murdoch Childrens Research Institute).